The following is an entry in ClinVar:

ClinVar aggregate classification (germline): Conflicting classifications of pathogenicity. Review status: criteria provided, conflicting classifications (1 of 4 stars). 2 submissions from 2 submitters: Likely pathogenic (1); Uncertain significance (1). Last evaluated 2022-06-13.

Conditions:
Porokeratosis 3, disseminated superficial actinic type (POROK3). Also called: POROKERATOSIS 3, MULTIPLE TYPES; POROKERATOSIS 3, MIBELLI TYPE; POROKERATOSIS, DISSEMINATED SUPERFICIAL ACTINIC, 1. Identifiers: MedGen C1867981, MONDO:0008293, OMIM 175900.
Mevalonic aciduria (MEVA). Identifiers: Orphanet 29, MedGen C1959626, MONDO:0012481, OMIM 610377.
Hyperimmunoglobulin D with periodic fever (HIDS). Also called: Hyperimmunoglobulinemia D; HYPERIMMUNOGLOBULINEMIA D AND PERIODIC FEVER SYNDROME; Hyperimmunoglobulinemia D with periodic fever. Identifiers: Orphanet 343, MedGen C0398691, MONDO:0009849, OMIM 260920.

Submissions (2):

Labcorp Genetics (formerly Invitae), Labcorp
Classification: Uncertain significance for Mevalonic aciduria; Hyperimmunoglobulin D with periodic fever; Porokeratosis 3, disseminated superficial actinic type. Last evaluated: 2022-06-13. Review status: criteria provided, single submitter. Criteria: Invitae Variant Classification Sherloc (09022015). Collection method: clinical testing. Allele origin: germline.
Comment: In summary, the available evidence is currently insufficient to determine the role of this variant in disease. Therefore, it has been classified as a Variant of Uncertain Significance. Experimental studies and prediction algorithms are not available or were not evaluated, and the functional significance of this variant is currently unknown. ClinVar contains an entry for this variant (Variation ID: 546074). This variant is also known as stop397R. This frameshift has been observed in individual(s) with clinical features of mevalonate kinase deficiency (PMID: 27213830). This variant is not present in population databases (gnomAD no frequency). This sequence change results in a frameshift in the MVK gene (p.*397Argext*34). While this is not anticipated to result in nonsense mediated decay, it is expected to extend the MVK protein by an additional 34 amino acids.

GeneDx
Classification: Likely pathogenic. Last evaluated: 2018-05-21. Review status: criteria provided, single submitter. Criteria: GeneDx Variant Classification (06012015). Collection method: clinical testing. Allele origin: germline. Affected: yes.
Comment: The c.1189 T>C variant has been reported previously as compound heterozygous with a pathogenic variant in association with MKD deficiency; however, this patient excreted normal levels of melvalonic acid (Ter Haar et al., 2016). It causes a stop loss and protein extension, and creates a new Stop codon at position 34 of the new reading frame, denoted p.Ter397ArgextX34. The variant is not observed in large population cohorts (Lek et al., 2016). In summary, we consider this variant to be likely pathogenic.

Literature cited by the submitters: PubMed 27213830 (cited by Labcorp Genetics (formerly Invitae), Labcorp).

NM_000431.4(MVK):c.1189T>C (p.Ter397Arg)

Gene: MVK (mevalonate kinase; plus strand). Cytogenetic location: 12q24.11.
Variant type: single nucleotide variant.
Coding change: c.1189T>C on transcript NM_000431.4 (MANE Select); coding-DNA position 1189, T replaced by C.
Protein change: p.Ter397Arg.
Molecular consequence: stop lost.
Genome position (GRCh38, 1-based): chr12:109,596,575, T>C. VCF-style: chr12-109596575-T-C. GRCh37 (hg19) VCF-style: chr12-110034380-T-C.
Other names: *397R; *345R; c.1189T>C (LRG_156t1); c.1189T>C, p.Ter397Arg (NM_001114185.3); c.1033T>C, p.Ter345Arg (NM_001301182.2).
Identifiers: ClinVar variation 546074 (VCV000546074.10), dbSNP rs1555279757, ClinGen allele CA386651519.